The following is an entry in ClinVar:

NM_004369.4(COL6A3):c.2318C>A (p.Thr773Asn)

Gene: COL6A3 (collagen type VI alpha 3 chain; minus strand). Cytogenetic location: 2q37.3.
Variant type: single nucleotide variant.
Coding change: c.2318C>A on transcript NM_004369.4 (MANE Select); coding-DNA position 2318, C replaced by A.
Protein change: p.Thr773Asn; replaces threonine 773 with asparagine.
Molecular consequence: missense variant. On other transcripts: intron variant (1).
Genome position (GRCh38, 1-based): chr2:237,378,815, G>T on the plus strand (C>A on the coding strand, the complement: COL6A3 is on the minus strand). VCF-style: chr2-237378815-G-T. GRCh37 (hg19) VCF-style: chr2-238287458-G-T.
Other names: c.1097C>A, p.Thr366Asn (NM_057164.5); c.1700C>A, p.Thr567Asn (NM_057165.5, NM_057167.4); c.677-1471C>A (NM_057166.5); short protein forms T366N, T567N, T773N.
Identifiers: ClinVar variation 3252302 (VCV003252302.1), dbSNP rs2077920265.

ClinVar aggregate classification (germline): Uncertain significance (1 of 4 stars; one submission).

Allele frequency attached by ClinVar (database versions not stated): gnomAD exomes below 0.00001.
gnomAD v4.1: 2 of 1,614,238 alleles (0.00012%); highest among the groups gnomAD compares: Non-Finnish European, 0.00017%; no homozygotes.

Submission:

GeneDx
Classification: Uncertain significance. Last evaluated: 2023-10-06. Review status: criteria provided, single submitter. Criteria: GeneDx Variant Classification Process June 2021. Collection method: clinical testing. Allele origin: germline. Affected: yes.
Comment: Not observed at significant frequency in large population cohorts (gnomAD); In silico analysis supports that this missense variant has a deleterious effect on protein structure/function; Has not been previously published as pathogenic or benign to our knowledge